The following is an entry in ClinVar:

NM_000069.3(CACNA1S):c.3459C>T (p.Leu1153=)

Gene: CACNA1S (calcium voltage-gated channel subunit alpha1 S; minus strand). Cytogenetic location: 1q32.1.
Variant type: single nucleotide variant.
Coding change: c.3459C>T on transcript NM_000069.3 (MANE Select); coding-DNA position 3459, C replaced by T.
Protein change: p.Leu1153=; no amino-acid change (leucine 1153 retained).
Molecular consequence: synonymous variant.
Genome position (GRCh38, 1-based): chr1:201,059,255, G>A on the plus strand (C>T on the coding strand, the complement: CACNA1S is on the minus strand). VCF-style: chr1-201059255-G-A. GRCh37 (hg19) VCF-style: chr1-201028383-G-A.
Identifiers: ClinVar variation 2171633 (VCV002171633.5), dbSNP rs2464489842, ClinGen allele CA422719962.

ClinVar aggregate classification (germline): Likely benign. Review status: criteria provided, multiple submitters, no conflicts (2 of 4 stars). 2 submissions from 2 submitters: Likely benign (2). Last evaluated 2024-08-13.

Conditions:
Malignant hyperthermia, susceptibility to, 5 (MHS5). Also called: CACNA1S-Related Malignant Hyperthermia Susceptibility. Identifiers: Orphanet 423, MedGen C1866077, MONDO:0011163, OMIM 601887.
Hypokalemic periodic paralysis, type 1. Also called: Hypokalemic Periodic Paralysis Type 1 (AD); HypoPP. Identifiers: Orphanet 681, MedGen C3714580, MONDO:0042979, OMIM 170400.

Allele frequency attached by ClinVar (database versions not stated): gnomAD exomes below 0.00001.
gnomAD v4.1: 2 of 1,614,002 alleles (0.00012%); highest among the groups gnomAD compares: Non-Finnish European, 0.000085%; no homozygotes.

Submissions (2):

All of Us Research Program, National Institutes of Health
Classification: Likely benign for Malignant hyperthermia, susceptibility to, 5. Last evaluated: 2024-08-13. Review status: criteria provided, single submitter. Criteria: ACMG Guidelines, 2015. Collection method: clinical testing. Allele origin: germline. Inheritance: Autosomal dominant inheritance. Observed: 1 variant allele, 1 heterozygote.
Comment: This study involves interpretation of variants in research participants for the purpose of population health screening. Participant phenotype was not available at the time of variant classification. Additional details can be found in publication PMID: 35346344, PMCID: PMC8962531

Labcorp Genetics (formerly Invitae), Labcorp
Classification: Likely benign for Hypokalemic periodic paralysis, type 1; Malignant hyperthermia, susceptibility to, 5. Last evaluated: 2022-10-03. Review status: criteria provided, single submitter. Criteria: Invitae Variant Classification Sherloc (09022015). Collection method: clinical testing. Allele origin: germline.